The following is an entry in ClinVar:

ClinVar aggregate classification (germline): Uncertain significance (1 of 4 stars; one submission).

Allele frequency attached by ClinVar (database versions not stated): gnomAD exomes 0.00001.
gnomAD v4.1: 5 of 1,613,190 alleles (0.00031%); highest among the groups gnomAD compares: Non-Finnish European, 0.00042%; no homozygotes.

Submission:

Labcorp Genetics (formerly Invitae), Labcorp
Classification: Uncertain significance. Last evaluated: 2022-01-15. Review status: criteria provided, single submitter. Criteria: Invitae Variant Classification Sherloc (09022015). Collection method: clinical testing. Allele origin: germline.
Comment: In summary, the available evidence is currently insufficient to determine the role of this variant in disease. Therefore, it has been classified as a Variant of Uncertain Significance. Algorithms developed to predict the effect of missense changes on protein structure and function are either unavailable or do not agree on the potential impact of this missense change (SIFT: "Tolerated"; PolyPhen-2: "Possibly Damaging"; Align-GVGD: "Class C0"). This variant has not been reported in the literature in individuals affected with C7-related conditions. This variant is not present in population databases (gnomAD no frequency). This sequence change replaces serine, which is neutral and polar, with glycine, which is neutral and non-polar, at codon 676 of the C7 protein (p.Ser676Gly).

NM_000587.4(C7):c.2026A>G (p.Ser676Gly)

Gene: C7 (complement C7; plus strand). Cytogenetic location: 5p13.1.
Variant type: single nucleotide variant.
Coding change: c.2026A>G on transcript NM_000587.4 (MANE Select); coding-DNA position 2026, A replaced by G.
Protein change: p.Ser676Gly; replaces serine 676 with glycine.
Molecular consequence: missense variant.
Genome position (GRCh38, 1-based): chr5:40,972,546, A>G. VCF-style: chr5-40972546-A-G. GRCh37 (hg19) VCF-style: chr5-40972648-A-G.
Other names: short protein forms S676G.
Identifiers: ClinVar variation 1468507 (VCV001468507.6), dbSNP rs1579875501, ClinGen allele CA359593573.